The following is an entry in ClinVar:

ClinVar aggregate classification (germline): Uncertain significance (1 of 4 stars; one submission).

Conditions:
Charcot-Marie-Tooth disease axonal type 2O. Also called: Charcot-Marie-Tooth disease, axonal, type 20; CHARCOT-MARIE-TOOTH NEUROPATHY, AXONAL, TYPE 2O; CHARCOT-MARIE-TOOTH DISEASE, AXONAL, AUTOSOMAL DOMINANT, TYPE 2O; Charcot-Marie-Tooth Neuropathy Type 2O. Identifiers: Orphanet 284232, MedGen C3280220, MONDO:0013644, OMIM 614228.

gnomAD v4.1: 1 of 1,613,298 alleles (0.000062%); highest among the groups gnomAD compares: Non-Finnish European, 0.000085%; no homozygotes.

Submission:

Labcorp Genetics (formerly Invitae), Labcorp
Classification: Uncertain significance for Charcot-Marie-Tooth disease axonal type 2O. Last evaluated: 2023-12-23. Review status: criteria provided, single submitter. Criteria: Invitae Variant Classification Sherloc (09022015). Collection method: clinical testing. Allele origin: germline.
Comment: This sequence change falls in intron 72 of the DYNC1H1 gene. It does not directly change the encoded amino acid sequence of the DYNC1H1 protein. It affects a nucleotide within the consensus splice site. This variant is not present in population databases (gnomAD no frequency). This variant has not been reported in the literature in individuals affected with DYNC1H1-related conditions. Variants that disrupt the consensus splice site are a relatively common cause of aberrant splicing (PMID: 17576681, 9536098). Algorithms developed to predict the effect of sequence changes on RNA splicing suggest that this variant is not likely to affect RNA splicing. In summary, the available evidence is currently insufficient to determine the role of this variant in disease. Therefore, it has been classified as a Variant of Uncertain Significance.

Literature cited by the submitters: PubMed 17576681; PubMed 9536098.

NM_001376.5(DYNC1H1):c.13006+6C>G

Gene: DYNC1H1 (dynein cytoplasmic 1 heavy chain 1; plus strand). Cytogenetic location: 14q32.31.
Variant type: single nucleotide variant.
Coding change: c.13006+6C>G on transcript NM_001376.5 (MANE Select); 6 bases into the intron after coding-DNA position 13006, C replaced by G.
Molecular consequence: intron variant.
Genome position (GRCh38, 1-based): chr14:102,044,704, C>G. VCF-style: chr14-102044704-C-G. GRCh37 (hg19) VCF-style: chr14-102511041-C-G.
Identifiers: ClinVar variation 2778963 (VCV002778963.3), dbSNP rs2503868624, ClinGen allele CA2626620420.